The following is an entry in ClinVar:

NM_000059.4(BRCA2):c.4098_4099insCATC (p.Lys1367fs)

Gene: BRCA2 (BRCA2 DNA repair associated; plus strand). Cytogenetic location: 13q13.1.
Variant type: Insertion.
Coding change: c.4098_4099insCATC on transcript NM_000059.4 (MANE Select); coding-DNA positions 4098 to 4099, CATC inserted.
Protein change: p.Lys1367fs; shifts the reading frame from lysine 1367.
Molecular consequence: frameshift variant.
Genome position: GRCh38 VCF-style: chr13-32338453-T-TCATC. GRCh37 (hg19) VCF-style: chr13-32912590-T-TCATC.
Other names: 4326insCATC; short protein forms K1367fs.
Identifiers: ClinVar variation 266791 (VCV000266791.5), dbSNP rs886040511, ClinGen allele CA10589241.

ClinVar aggregate classification (germline): Pathogenic. Review status: reviewed by expert panel (3 of 4 stars). 2 submissions from 2 submitters: Pathogenic (1). 1 of the submissions does not count toward it. Last evaluated 2016-10-18.

Conditions:
Breast-ovarian cancer, familial, susceptibility to, 2 (BROVCA2). Also called: BRCA2 Hereditary Breast and Ovarian Cancer. Identifiers: Orphanet 145, MedGen C2675520, MONDO:0012933, OMIM 612555. Disease mechanism: loss of function.

Submissions (2):

Evidence-based Network for the Interpretation of Germline Mutant Alleles (ENIGMA)
Classification: Pathogenic for Breast-ovarian cancer, familial, susceptibility to, 2. Last evaluated: 2016-10-18. Review status: reviewed by expert panel. Criteria: ENIGMA BRCA1/2 Classification Criteria (2015). Collection method: curation. Allele origin: germline.
Comment: Variant allele predicted to encode a truncated non-functional protein.

Consortium of Investigators of Modifiers of BRCA1/2 (CIMBA), c/o University of Cambridge
Classification: Pathogenic for Breast-ovarian cancer, familial, susceptibility to, 2. Last evaluated: 2015-10-02. Review status: criteria provided, single submitter. Criteria: CIMBA Mutation Classification guidelines May 2016. Collection method: clinical testing. Allele origin: germline. Not counted in ClinVar's aggregate classification.